The following is an entry in ClinVar:

ClinVar aggregate classification (germline): Uncertain significance (1 of 4 stars; one submission).

Submission:

GeneDx
Classification: Uncertain significance. Last evaluated: 2026-03-09. Review status: criteria provided, single submitter. Criteria: GeneDx Variant Classification Process June 2021. Collection method: clinical testing. Allele origin: germline.
Comment: Not observed at significant frequency in large population cohorts (gnomAD); In silico analysis suggests that this missense variant does not alter protein structure/function; Has not been previously published as pathogenic or benign to our knowledge

NM_001348716.2(KDM6B):c.2578T>C (p.Ser860Pro)

Gene: KDM6B (lysine demethylase 6B; plus strand). Cytogenetic location: 17p13.1.
Variant type: single nucleotide variant.
Coding change: c.2578T>C on transcript NM_001348716.2 (MANE Select); coding-DNA position 2578, T replaced by C.
Protein change: p.Ser860Pro; replaces serine 860 with proline.
Molecular consequence: missense variant.
Genome position (GRCh38, 1-based): chr17:7,848,866, T>C. VCF-style: chr17-7848866-T-C. GRCh37 (hg19) VCF-style: chr17-7752184-T-C.
Other names: c.2578T>C, p.Ser860Pro (NM_001080424.2); short protein forms S860P.
Identifiers: ClinVar variation 5008844 (VCV005008844.1).